The following is an entry in ClinVar:

ClinVar aggregate classification (germline): Uncertain significance (1 of 4 stars; one submission).

Submission:

Labcorp Genetics (formerly Invitae), Labcorp
Classification: Uncertain significance. Last evaluated: 2022-12-04. Review status: criteria provided, single submitter. Criteria: Invitae Variant Classification Sherloc (09022015). Collection method: clinical testing. Allele origin: germline.
Comment: This sequence change replaces tryptophan, which is neutral and slightly polar, with glycine, which is neutral and non-polar, at codon 133 of the GPR143 protein (p.Trp133Gly). This variant is not present in population databases (gnomAD no frequency). In summary, the available evidence is currently insufficient to determine the role of this variant in disease. Therefore, it has been classified as a Variant of Uncertain Significance. This variant disrupts the p.Trp133 amino acid residue in GPR143. Other variant(s) that disrupt this residue have been determined to be pathogenic (PMID: 9529334, 9887374). This suggests that this residue is clinically significant, and that variants that disrupt this residue are likely to be disease-causing. Advanced modeling of protein sequence and biophysical properties (such as structural, functional, and spatial information, amino acid conservation, physicochemical variation, residue mobility, and thermodynamic stability) performed at Invitae indicates that this missense variant is expected to disrupt GPR143 protein function. This variant has not been reported in the literature in individuals affected with GPR143-related conditions.

Literature cited by the submitters: PubMed 9529334; PubMed 9887374.

NM_000273.3(GPR143):c.397T>G (p.Trp133Gly)

Gene: GPR143 (G protein-coupled receptor 143; minus strand). Cytogenetic location: Xp22.2.
Variant type: single nucleotide variant.
Coding change: c.397T>G on transcript NM_000273.3 (MANE Select); coding-DNA position 397, T replaced by G.
Protein change: p.Trp133Gly; replaces tryptophan 133 with glycine.
Molecular consequence: missense variant.
Genome position (GRCh38, 1-based): chrX:9,759,390, A>C on the plus strand (T>G on the coding strand, the complement: GPR143 is on the minus strand). VCF-style: chrX-9759390-A-C. GRCh37 (hg19) VCF-style: chrX-9727430-A-C.
Other names: short protein forms W133G.
Identifiers: ClinVar variation 2818600 (VCV002818600.3), dbSNP rs137852296, ClinGen allele CA411998925.